The following is an entry in ClinVar:

NM_020549.5(CHAT):c.1634+331T>C

Gene: CHAT (choline O-acetyltransferase; plus strand). Cytogenetic location: 10q11.23.
Variant type: single nucleotide variant.
Coding change: c.1634+331T>C on transcript NM_020549.5 (MANE Select); 331 bases into the intron after coding-DNA position 1634, T replaced by C.
Molecular consequence: intron variant.
Genome position (GRCh38, 1-based): chr10:49,652,337, T>C. VCF-style: chr10-49652337-T-C. GRCh37 (hg19) VCF-style: chr10-50860383-T-C.
Other names: c.1280+331T>C (NM_020984.4, NM_020985.4, NM_020986.4 and 2 more transcripts); c.1388+331T>C (NM_001142933.2).
Identifiers: ClinVar variation 668074 (VCV000668074.1), dbSNP rs4838545, ClinGen allele CA206640136.

ClinVar aggregate classification (germline): Benign (1 of 4 stars; one submission).

Allele frequency attached by ClinVar (database versions not stated): 1000 Genomes Project 30x 0.95924; TOPMed 0.96119; 1000 Genomes Project 0.96246; gnomAD 0.96306 and 0.96550.
gnomAD v4.1: 146,969 of 152,162 alleles (97%); highest among the groups gnomAD compares: East Asian, 100%; 71,223 homozygotes.

Submission:

GeneDx
Classification: Benign. Last evaluated: 2018-06-16. Review status: criteria provided, single submitter. Criteria: GeneDx Variant Classification (06012015). Collection method: clinical testing. Allele origin: germline. Affected: yes.
Comment: This variant is considered likely benign or benign based on one or more of the following criteria: it is a conservative change, it occurs at a poorly conserved position in the protein, it is predicted to be benign by multiple in silico algorithms, and/or has population frequency not consistent with disease.